The following is an entry in ClinVar:

NM_212482.4(FN1):c.2834A>G (p.Asn945Ser)

Gene: FN1 (fibronectin 1; minus strand). Cytogenetic location: 2q35.
Variant type: single nucleotide variant.
Coding change: c.2834A>G on transcript NM_212482.4 (MANE Select); coding-DNA position 2834, A replaced by G.
Protein change: p.Asn945Ser; replaces asparagine 945 with serine.
Molecular consequence: missense variant.
Genome position (GRCh38, 1-based): chr2:215,406,390, T>C on the plus strand (A>G on the coding strand, the complement: FN1 is on the minus strand). VCF-style: chr2-215406390-T-C. GRCh37 (hg19) VCF-style: chr2-216271113-T-C.
Other names: c.2834A>G, p.Asn945Ser (NM_001306129.2, NM_001306130.2, NM_001306131.2 and 13 more transcripts); short protein forms N945S.
Identifiers: ClinVar variation 1500414 (VCV001500414.8), dbSNP rs570177360, ClinGen allele CA64868462.

ClinVar aggregate classification (germline): Uncertain significance (1 of 4 stars; one submission).

Allele frequency attached by ClinVar (database versions not stated): gnomAD exomes 0.00001; TOPMed 0.00001.
gnomAD v4.1: 5 of 1,614,190 alleles (0.00031%); highest among the groups gnomAD compares: Non-Finnish European, 0.00042%; no homozygotes.

Submission:

Labcorp Genetics (formerly Invitae), Labcorp
Classification: Uncertain significance. Last evaluated: 2023-07-07. Review status: criteria provided, single submitter. Criteria: Invitae Variant Classification Sherloc (09022015). Collection method: clinical testing. Allele origin: germline.
Comment: This variant is present in population databases (rs570177360, gnomAD 0.0009%). In summary, the available evidence is currently insufficient to determine the role of this variant in disease. Therefore, it has been classified as a Variant of Uncertain Significance. Advanced modeling of protein sequence and biophysical properties (such as structural, functional, and spatial information, amino acid conservation, physicochemical variation, residue mobility, and thermodynamic stability) performed at Invitae indicates that this missense variant is not expected to disrupt FN1 protein function. ClinVar contains an entry for this variant (Variation ID: 1500414). This variant has not been reported in the literature in individuals affected with FN1-related conditions. This sequence change replaces asparagine, which is neutral and polar, with serine, which is neutral and polar, at codon 945 of the FN1 protein (p.Asn945Ser).